The following is an entry in ClinVar:

NM_000551.4(VHL):c.459G>T (p.Leu153=)

Genes: VHL (von Hippel-Lindau tumor suppressor; plus strand), LOC107303340 (3p25 von Hippel-Lindau tumor suppressor, E3 ubiquitin protein ligase Alu-mediated recombination region; plus strand). Cytogenetic location: 3p25.3.
Variant type: single nucleotide variant.
Coding change: c.459G>T on transcript NM_000551.4 (MANE Select); coding-DNA position 459, G replaced by T.
Protein change: p.Leu153=; no amino-acid change (leucine 153 retained).
Molecular consequence: synonymous variant. On other transcripts: non-coding transcript variant (1), intron variant (2).
Genome position (GRCh38, 1-based): chr3:10,146,632, G>T. VCF-style: chr3-10146632-G-T. GRCh37 (hg19) VCF-style: chr3-10188316-G-T.
Other names: c.*18-3155G>T (NM_001354723.2); c.341-3155G>T (NM_198156.3).
Identifiers: ClinVar variation 2946305 (VCV002946305.6), dbSNP rs1382653522, ClinGen allele CA432421923.

ClinVar aggregate classification (germline): Benign/Likely benign. Review status: criteria provided, multiple submitters, no conflicts (2 of 4 stars). 4 submissions from 4 submitters: Benign (1); Likely benign (3). Last evaluated 2025-06-12.

Conditions:
Von Hippel-Lindau syndrome (VHLS). Also called: von Hippel–Lindau syndrome; VHL syndrome; Von Hippel-Lindau. Identifiers: Orphanet 892, MedGen C0019562, MONDO:0008667, OMIM 193300. Disease mechanism: loss of function.
Hereditary cancer-predisposing syndrome. Also called: Hereditary neoplastic syndrome; Neoplastic Syndromes, Hereditary; Tumor predisposition; Hereditary Cancer Syndrome. Identifiers: Orphanet 140162, MedGen C0027672, MeSH D009386, MONDO:0015356.
Chuvash polycythemia. Also called: POLYCYTHEMIA, VHL-DEPENDENT. Identifiers: Orphanet 238557, MedGen C1837915, MONDO:0009892, OMIM 263400.

Allele frequency attached by ClinVar (database versions not stated): gnomAD exomes below 0.00001.
gnomAD v4.1: 2 of 1,613,658 alleles (0.00012%); highest among the groups gnomAD compares: South Asian, 0.0022%; no homozygotes.

Submissions (4):

Myriad Genetics, Inc.
Classification: Benign for Von Hippel-Lindau syndrome. Last evaluated: 2025-06-12. Review status: criteria provided, single submitter. Criteria: Myriad Autosomal Dominant, Autosomal Recessive and X-Linked Classification Criteria (2023). Collection method: clinical testing. Allele origin: unknown.
Comment: This variant is considered benign. This variant is a silent/synonymous amino acid change and it is not expected to impact splicing.

Labcorp Genetics (formerly Invitae), Labcorp
Classification: Likely benign for Von Hippel-Lindau syndrome; Chuvash polycythemia. Last evaluated: 2024-10-03. Review status: criteria provided, single submitter. Criteria: Invitae Variant Classification Sherloc (09022015). Collection method: clinical testing. Allele origin: germline.

Ambry Genetics
Classification: Likely benign for Hereditary cancer-predisposing syndrome. Last evaluated: 2024-09-16. Review status: criteria provided, single submitter. Criteria: Ambry Variant Classification Scheme 2023. Collection method: clinical testing. Allele origin: germline.

All of Us Research Program, National Institutes of Health
Classification: Likely benign for Von Hippel-Lindau syndrome. Last evaluated: 2024-02-05. Review status: criteria provided, single submitter. Criteria: ACMG Guidelines, 2015. Collection method: clinical testing. Allele origin: germline. Inheritance: Autosomal dominant inheritance. Observed: 1 variant allele, 1 heterozygote.
Comment: This study involves interpretation of variants in research participants for the purpose of population health screening. Participant phenotype was not available at the time of variant classification. Additional details can be found in publication PMID: 35346344, PMCID: PMC8962531